The following is an entry in ClinVar:

NC_000012.11:g.57892346A>G

Gene: MARS1 (methionyl-tRNA synthetase 1; plus strand). Cytogenetic location: 12q13.3.
Variant type: single nucleotide variant.
Molecular consequence: missense variant (on NM_004990.4).
Genome position: GRCh38 VCF-style: chr12-57498563-A-G. GRCh37 (hg19) VCF-style: chr12-57892346-A-G.
Other names: c.1031A>G, p.Tyr344Cys (NM_004990.4); short protein forms Y344C.
Identifiers: ClinVar variation 192373 (VCV000192373.5), dbSNP rs766466297, ClinGen allele CA200223.
Genomic context (GRCh38, chr12:57,498,563, plus strand): 5'-AGGAGGGACTAACCCCCCAGGAGATCTGCGACAAGTACCACATCATCCATGCTGACATCT[A>G]CCGCTGGTTTAACATTTCGTTTGATATTTTTGGTCGCACCACCACTCCACAGCAGACCAA-3'

ClinVar aggregate classification (germline): Uncertain significance. Review status: criteria provided, single submitter (1 of 4 stars). 2 submissions from 2 submitters: Uncertain significance (1). 1 of the submissions does not count toward it. Last evaluated 2024-04-29.

Conditions:
Charcot-Marie-Tooth disease axonal type 2U. Also called: CHARCOT-MARIE-TOOTH NEUROPATHY, TYPE 2U; CHARCOT-MARIE-TOOTH DISEASE, AXONAL, AUTOSOMAL DOMINANT, TYPE 2U. Identifiers: Orphanet 397735, MedGen C4084821, MONDO:0014566, OMIM 616280.
Severe early-onset pulmonary alveolar proteinosis due to MARS deficiency. Also called: PULMONARY ALVEOLAR PROTEINOSIS, REUNION ISLAND; Interstitial lung and liver disease. Identifiers: Orphanet 440427, MedGen C4225400, MONDO:0014206, OMIM 615486.

Allele frequency attached by ClinVar (database versions not stated): TOPMed below 0.00001; ExAC 0.00002; gnomAD exomes 0.00001.
gnomAD v4.1: 9 of 1,614,204 alleles (0.00056%); highest among the groups gnomAD compares: Non-Finnish European, 0.00076%; no homozygotes.

Submissions (2):

Labcorp Genetics (formerly Invitae), Labcorp
Classification: Uncertain significance for Charcot-Marie-Tooth disease axonal type 2U; Severe early-onset pulmonary alveolar proteinosis due to MARS deficiency. Last evaluated: 2024-04-29. Review status: criteria provided, single submitter. Criteria: Invitae Variant Classification Sherloc (09022015). Collection method: clinical testing. Allele origin: germline.
Comment: This sequence change replaces tyrosine, which is neutral and polar, with cysteine, which is neutral and slightly polar, at codon 344 of the MARS protein (p.Tyr344Cys). This variant is present in population databases (rs766466297, gnomAD 0.002%). This missense change has been observed in individual(s) with pulmonary alveolar proteinosis (PMID: 25913036). ClinVar contains an entry for this variant (Variation ID: 192373). An algorithm developed to predict the effect of missense changes on protein structure and function (PolyPhen-2) suggests that this variant is likely to be disruptive. Experimental studies have shown that this missense change affects MARS function (PMID: 25913036, 29775242). In summary, the available evidence is currently insufficient to determine the role of this variant in disease. Therefore, it has been classified as a Variant of Uncertain Significance.

OMIM
Classification: Pathogenic for INTERSTITIAL LUNG AND LIVER DISEASE. Last evaluated: 2015-05-07. Review status: no assertion criteria provided. Collection method: literature only. Allele origin: germline. Not counted in ClinVar's aggregate classification.

Literature cited by the submitters: PubMed 25913036 (cited by Labcorp Genetics (formerly Invitae), Labcorp and OMIM); PubMed 29775242 (cited by Labcorp Genetics (formerly Invitae), Labcorp).